The following is an entry in ClinVar:

ClinVar aggregate classification (germline): Uncertain significance (1 of 4 stars; one submission).

Submission:

GeneDx
Classification: Uncertain significance. Last evaluated: 2025-06-15. Review status: criteria provided, single submitter. Criteria: GeneDx Variant Classification Process June 2021. Collection method: clinical testing. Allele origin: germline. Affected: yes.
Comment: Not observed at significant frequency in large population cohorts (gnomAD); In silico analysis suggests that this missense variant does not alter protein structure/function; Has not been previously published as pathogenic or benign to our knowledge

NM_016333.4(SRRM2):c.805G>C (p.Ala269Pro)

Gene: SRRM2 (serine/arginine repetitive matrix 2; plus strand). Cytogenetic location: 16p13.3.
Variant type: single nucleotide variant.
Coding change: c.805G>C on transcript NM_016333.4 (MANE Select); coding-DNA position 805, G replaced by C.
Protein change: p.Ala269Pro; replaces alanine 269 with proline.
Molecular consequence: missense variant.
Genome position (GRCh38, 1-based): chr16:2,759,633, G>C. VCF-style: chr16-2759633-G-C. GRCh37 (hg19) VCF-style: chr16-2809634-G-C.
Other names: short protein forms A269P.
Identifiers: ClinVar variation 4537756 (VCV004537756.1).